The following is an entry in ClinVar:

NM_138694.4(PKHD1):c.6890T>G (p.Ile2297Arg)

Gene: PKHD1 (PKHD1 ciliary IPT domain containing fibrocystin/polyductin; minus strand). Cytogenetic location: 6p12.2.
Variant type: single nucleotide variant.
Coding change: c.6890T>G on transcript NM_138694.4 (MANE Select); coding-DNA position 6890, T replaced by G.
Protein change: p.Ile2297Arg; replaces isoleucine 2297 with arginine.
Molecular consequence: missense variant.
Genome position (GRCh38, 1-based): chr6:51,903,703, A>C on the plus strand (T>G on the coding strand, the complement: PKHD1 is on the minus strand). VCF-style: chr6-51903703-A-C. GRCh37 (hg19) VCF-style: chr6-51768501-A-C.
Other names: c.6890T>G, p.Ile2297Arg (NM_170724.3); short protein forms I2297R.
Identifiers: ClinVar variation 1342802 (VCV001342802.3), dbSNP rs777587320, ClinGen allele CA3852129.

ClinVar aggregate classification (germline): Uncertain significance. Review status: criteria provided, multiple submitters, no conflicts (2 of 4 stars). 2 submissions from 2 submitters: Uncertain significance (2). Last evaluated 2026-04-30.

Conditions:
PKHD1-related disorder. Also called: PKHD1-related condition.

Allele frequency attached by ClinVar (database versions not stated): gnomAD exomes below 0.00001; TOPMed below 0.00001; ExAC 0.00001.

Submissions (2):

PreventionGenetics, part of Exact Sciences
Classification: Uncertain significance for PKHD1-related condition. Last evaluated: 2026-04-30. Review status: criteria provided, single submitter. Criteria: ACMG Guidelines, 2015. Collection method: clinical testing. Allele origin: germline.
Comment: The PKHD1 c.6890T>G variant is predicted to result in the amino acid substitution p.Ile2297Arg. To our knowledge, this variant has not been reported in the literature. This variant is reported in 0.00088% of alleles in individuals of European (Non-Finnish) descent in gnomAD. At this time, the clinical significance of this variant is uncertain due to the absence of conclusive functional and genetic evidence.

GeneDx
Classification: Uncertain significance. Last evaluated: 2021-08-26. Review status: criteria provided, single submitter. Criteria: GeneDx Variant Classification Process June 2021. Collection method: clinical testing. Allele origin: germline. Affected: yes.
Comment: Not observed at significant frequency in large population cohorts (gnomAD); In silico analysis supports that this missense variant has a deleterious effect on protein structure/function; Has not been previously published as pathogenic or benign to our knowledge